The following is an entry in ClinVar:

NC_000003.11:g.(?_195778813)_(195803970_?)dup

Gene: TFRC (transferrin receptor; minus strand). Cytogenetic location: 3q29.
Variant type: Duplication.
Identifiers: ClinVar variation 2424658 (VCV002424658.3).

ClinVar aggregate classification (germline): Uncertain significance (1 of 4 stars; one submission).

Submission:

Labcorp Genetics (formerly Invitae), Labcorp
Classification: Uncertain significance. Last evaluated: 2022-11-01. Review status: criteria provided, single submitter. Criteria: Invitae Variant Classification Sherloc (09022015). Collection method: clinical testing. Allele origin: germline.
Comment: A copy number gain of the genomic region encompassing the full coding sequence of the TFRC gene has been identified. The boundaries of this event are unknown as they extend beyond the assayed region for this gene and therefore may encompass additional genes. As the precise location of this event is unknown, it may be in tandem or it may be located elsewhere in the genome. This variant has not been reported in the literature in individuals affected with TFRC-related conditions. In summary, the available evidence is currently insufficient to determine the role of this variant in disease. Therefore, it has been classified as a Variant of Uncertain Significance.